The following is an entry in ClinVar:

ClinVar aggregate classification (germline): Conflicting classifications of pathogenicity. Review status: criteria provided, conflicting classifications (1 of 4 stars). 5 submissions from 5 submitters: Uncertain significance (1); Likely benign (1). 3 of the submissions do not count toward it. Last evaluated 2025-03-11.

Conditions:
Hereditary breast ovarian cancer syndrome. Also called: Hereditary breast and ovarian cancer syndrome; Hereditary breast and ovarian cancer; Hereditary breast and ovarian cancer syndrome (HBOC); Breast and ovarian cancer; Hereditary breast and/or ovarian cancer syndrome; BRCA1- and BRCA2-Associated Hereditary Breast and Ovarian Cancer. Identifiers: Orphanet 145, MedGen C0677776, MeSH D061325, MONDO:0003582. Disease mechanism: loss of function.
Hereditary cancer-predisposing syndrome. Also called: Neoplastic Syndromes, Hereditary; Tumor predisposition; Hereditary neoplastic syndrome; Hereditary Cancer Syndrome. Identifiers: Orphanet 140162, MedGen C0027672, MeSH D009386, MONDO:0015356.
Breast-ovarian cancer, familial, susceptibility to, 2 (BROVCA2). Also called: BRCA2 Hereditary Breast and Ovarian Cancer. Identifiers: Orphanet 145, MedGen C2675520, MONDO:0012933, OMIM 612555. Disease mechanism: loss of function.

Allele frequency attached by ClinVar (database versions not stated): gnomAD exomes 0.00001 and 0.00002; ExAC 0.00004.
gnomAD v4.1: 7 of 1,595,694 alleles (0.00044%); highest among the groups gnomAD compares: Non-Finnish European, 0.00051%; no homozygotes.

Submissions (5):

Labcorp Genetics (formerly Invitae), Labcorp
Classification: Uncertain significance for Hereditary breast ovarian cancer syndrome. Last evaluated: 2025-03-11. Review status: criteria provided, single submitter. Criteria: Invitae Variant Classification Sherloc (09022015). Collection method: clinical testing. Allele origin: germline.
Comment: This sequence change replaces threonine, which is neutral and polar, with serine, which is neutral and polar, at codon 1684 of the BRCA2 protein (p.Thr1684Ser). This variant is present in population databases (rs80358729, gnomAD 0.004%). This variant has not been reported in the literature in individuals affected with BRCA2-related conditions. ClinVar contains an entry for this variant (Variation ID: 51760). Invitae Evidence Modeling of protein sequence and biophysical properties (such as structural, functional, and spatial information, amino acid conservation, physicochemical variation, residue mobility, and thermodynamic stability) indicates that this missense variant is not expected to disrupt BRCA2 protein function with a negative predictive value of 95%. In summary, the available evidence is currently insufficient to determine the role of this variant in disease. Therefore, it has been classified as a Variant of Uncertain Significance.

University of Washington Department of Laboratory Medicine, University of Washington
Classification: Likely benign for Hereditary cancer-predisposing syndrome. Last evaluated: 2023-03-23. Review status: criteria provided, single submitter. Criteria: Dines et al. (Genet Med. 2020). Collection method: curation. Allele origin: germline.
Comment: Missense variant in a coldspot region where missense variants are very unlikely to be pathogenic (PMID:31911673).

BRCA2 exon 11 coldspot. Reclassification based on statistical prior probability.

BRCAlab, Lund University
Classification: Uncertain significance for Breast-ovarian cancer, familial, susceptibility to, 2. Last evaluated: 2020-03-02. Review status: no assertion criteria provided. Collection method: clinical testing. Allele origin: germline. Affected: yes. Not counted in ClinVar's aggregate classification.

Research Molecular Genetics Laboratory, Women's College Hospital, University of Toronto
Classification: Uncertain significance. Last evaluated: 2014-01-31. Review status: no assertion criteria provided. Collection method: research. Allele origin: germline. Affected: yes. Study: The Canadian Open Genetics Repository (COGR). Not counted in ClinVar's aggregate classification.

Breast Cancer Information Core (BIC) (BRCA2)
Classification: Uncertain significance for Breast-ovarian cancer, familial 2. Last evaluated: 2003-12-23. Review status: no assertion criteria provided. Collection method: clinical testing. Allele origin: germline. Affected: yes. Observed: 2 variant alleles. Not counted in ClinVar's aggregate classification.

NM_000059.4(BRCA2):c.5051C>G (p.Thr1684Ser)

Gene: BRCA2 (BRCA2 DNA repair associated; plus strand). Cytogenetic location: 13q13.1.
Variant type: single nucleotide variant.
Coding change: c.5051C>G on transcript NM_000059.4 (MANE Select); coding-DNA position 5051, C replaced by G.
Protein change: p.Thr1684Ser; replaces threonine 1684 with serine.
Molecular consequence: missense variant.
Genome position (GRCh38, 1-based): chr13:32,339,406, C>G. VCF-style: chr13-32339406-C-G. GRCh37 (hg19) VCF-style: chr13-32913543-C-G.
Other names: short protein forms T1684S.
Identifiers: ClinVar variation 51760 (VCV000051760.7), dbSNP rs80358729, ClinGen allele CA021184.